The following is an entry in ClinVar:

NM_031210.6(SLIRP):c.98-2A>G

Gene: SLIRP (SRA stem-loop interacting RNA binding protein; plus strand). Cytogenetic location: 14q24.3.
Variant type: single nucleotide variant.
Coding change: c.98-2A>G on transcript NM_031210.6 (MANE Select); the canonical splice acceptor site of the intron before coding-DNA position 98, A replaced by G.
Molecular consequence: splice acceptor variant.
Genome position (GRCh38, 1-based): chr14:77,710,836, A>G. VCF-style: chr14-77710836-A-G. GRCh37 (hg19) VCF-style: chr14-78177179-A-G.
Other names: c.98-2A>G (NM_001267864.1, NM_001267863.1).
Identifiers: ClinVar variation 4279660 (VCV004279660.1).

ClinVar aggregate classification (germline): Uncertain significance (1 of 4 stars; one submission).

Conditions:
Congenital lactic acidosis, Saguenay-Lac-Saint-Jean type (MC4DN5). Also called: CYTOCHROME c OXIDASE DEFICIENCY, FRENCH CANADIAN TYPE; COX DEFICIENCY, FRENCH CANADIAN TYPE; MITOCHONDRIAL COMPLEX IV DEFICIENCY, NUCLEAR TYPE 5. Identifiers: Orphanet 70472, MedGen C1857355, MONDO:0009069, OMIM 220111.

gnomAD v4.1: 69 of 1,614,026 alleles (0.0043%); highest among the groups gnomAD compares: African/African-American, 0.077%; no homozygotes.

Submission:

Daryl Scott Lab, Baylor College of Medicine
Classification: Uncertain significance for Congenital lactic acidosis, Saguenay-Lac-Saint-Jean type. Review status: criteria provided, single submitter. Criteria: ACMG Guidelines, 2015. Collection method: clinical testing. Allele origin: unknown. Affected: yes.
Comment: PP3